The following is an entry in ClinVar:

NM_007103.4(NDUFV1):c.582C>T (p.Asp194=)

Gene: NDUFV1 (NADH:ubiquinone oxidoreductase core subunit V1; plus strand). Cytogenetic location: 11q13.2.
Variant type: single nucleotide variant.
Coding change: c.582C>T on transcript NM_007103.4 (MANE Select); coding-DNA position 582, C replaced by T.
Protein change: p.Asp194=; no amino-acid change (aspartic acid 194 retained).
Molecular consequence: synonymous variant.
Genome position (GRCh38, 1-based): chr11:67,610,452, C>T. VCF-style: chr11-67610452-C-T. GRCh37 (hg19) VCF-style: chr11-67377923-C-T.
Other names: c.555C>T, p.Asp185= (NM_001166102.2).
Identifiers: ClinVar variation 723260 (VCV000723260.9), dbSNP rs755804704, ClinGen allele CA6143216.
Genomic context (GRCh38, chr11:67,610,452, plus strand): 5'-AGAGGCCTATGAGGCAGGTCTGATTGGCAAGAATGCTTGTGGCTCTGGCTATGATTTTGA[C>T]GTGTTTGTGGTGCGCGGGGCTGGGGCCTACATCTGTGGAGAGGAGACAGCGCTCATCGAG-3'
Protein context (NP_009034.2, residues 184-204): KNACGSGYDF[Asp194=]VFVVRGAGAY

ClinVar aggregate classification (germline): Likely benign. Review status: criteria provided, single submitter (1 of 4 stars). 2 submissions from 2 submitters: Likely benign (1). 1 of the submissions does not count toward it. Last evaluated 2025-04-29.

Conditions:
NDUFV1-related disorder. Also called: NDUFV1-related condition; NDUFV1-related disorders.

Allele frequency attached by ClinVar (database versions not stated): ExAC 0.00006; gnomAD 0.00001; TOPMed 0.00001; gnomAD exomes 0.00002 and 0.00005.
gnomAD v4.1: 34 of 1,614,044 alleles (0.0021%); highest among the groups gnomAD compares: Admixed American, 0.015%; no homozygotes.

Submissions (2):

Labcorp Genetics (formerly Invitae), Labcorp
Classification: Likely benign. Last evaluated: 2025-04-29. Review status: criteria provided, single submitter. Criteria: Invitae Variant Classification Sherloc (09022015). Collection method: clinical testing. Allele origin: germline.

PreventionGenetics, part of Exact Sciences
Classification: Likely benign for NDUFV1-related condition. Last evaluated: 2020-04-03. Review status: no assertion criteria provided. Collection method: clinical testing. Allele origin: germline. Not counted in ClinVar's aggregate classification.
Comment: This variant is classified as likely benign based on ACMG/AMP sequence variant interpretation guidelines (Richards et al. 2015 PMID: 25741868, with internal and published modifications).